The following is an entry in ClinVar:

ClinVar aggregate classification (germline): Uncertain significance (1 of 4 stars; one submission).

Submission:

Labcorp Genetics (formerly Invitae), Labcorp
Classification: Uncertain significance. Last evaluated: 2021-10-25. Review status: criteria provided, single submitter. Criteria: Invitae Variant Classification Sherloc (09022015). Collection method: clinical testing. Allele origin: germline.
Comment: In summary, the available evidence is currently insufficient to determine the role of this variant in disease. Therefore, it has been classified as a Variant of Uncertain Significance. Algorithms developed to predict the effect of missense changes on protein structure and function (SIFT, PolyPhen-2, Align-GVGD) all suggest that this variant is likely to be tolerated. This variant has not been reported in the literature in individuals affected with AP3D1-related conditions. This variant is not present in population databases (ExAC no frequency). This sequence change replaces methionine with isoleucine at codon 459 of the AP3D1 protein (p.Met459Ile). The methionine residue is highly conserved and there is a small physicochemical difference between methionine and isoleucine.

NM_001261826.3(AP3D1):c.1377G>A (p.Met459Ile)

Gene: AP3D1 (adaptor related protein complex 3 subunit delta 1; minus strand). Cytogenetic location: 19p13.3.
Variant type: single nucleotide variant.
Coding change: c.1377G>A on transcript NM_001261826.3 (MANE Select); coding-DNA position 1377, G replaced by A.
Protein change: p.Met459Ile; replaces methionine 459 with isoleucine.
Molecular consequence: missense variant.
Genome position (GRCh38, 1-based): chr19:2,120,966, C>T on the plus strand (G>A on the coding strand, the complement: AP3D1 is on the minus strand). VCF-style: chr19-2120966-C-T. GRCh37 (hg19) VCF-style: chr19-2120965-C-T.
Other names: c.1377G>A, p.Met459Ile (NM_001374799.1, NM_003938.8); short protein forms M459I.
Identifiers: ClinVar variation 1426543 (VCV001426543.6), dbSNP rs2145067070, ClinGen allele CA403223225.